The following is an entry in ClinVar:

NM_004744.5(LRAT):c.40_41delinsTT (p.Glu14Leu)

Gene: LRAT (lecithin retinol acyltransferase; plus strand). Cytogenetic location: 4q32.1.
Variant type: Indel.
Coding change: c.40_41delinsTT on transcript NM_004744.5 (MANE Select); coding-DNA positions 40 to 41, GA replaced by TT.
Protein change: p.Glu14Leu; replaces glutamic acid 14 with leucine.
Molecular consequence: missense variant.
Genome position (GRCh38, 1-based): chr4:154,744,366-154,744,367, GA replaced by TT. VCF-style: chr4-154744366-GA-TT. GRCh37 (hg19) VCF-style: chr4-155665518-GA-TT.
Other names: c.40_41delinsTT, p.Glu14Leu (NM_001301645.2); short protein forms E14L.
Identifiers: ClinVar variation 2506311 (VCV002506311.3), dbSNP rs2529971841, ClinGen allele CA2580616794.

ClinVar aggregate classification (germline): Conflicting classifications of pathogenicity. Review status: criteria provided, conflicting classifications (1 of 4 stars). 3 submissions from 3 submitters: Likely pathogenic (2); Uncertain significance (1). Last evaluated 2025-11-04.

Conditions:
Leber congenital amaurosis (LCA). Also called: Leber's amaurosis. Identifiers: Orphanet 65, MedGen C0339527, MeSH D057130, MONDO:0018998.
LRAT-related disorder. Also called: LRAT-related condition.

Submissions (3):

PreventionGenetics, part of Exact Sciences
Classification: Likely pathogenic for LRAT-related condition. Last evaluated: 2025-11-04. Review status: criteria provided, single submitter. Criteria: ACMG Guidelines, 2015. Collection method: clinical testing. Allele origin: germline.
Comment: The LRAT c.40_41delinsTT variant is predicted to result in an in-frame deletion and insertion. This variant has been reported homozygous in an individual with early-onset retinal dystrophy (Dev Borman et al. 2012. PubMed ID: 22570351; Lin et al. 2024. PubMed ID: 38219857; Scholl et al. 2015. PubMed ID: 26656277). Functional studies have shown this variant results in protein instability, accelerated proteosomal degradation, and in altered retinoid homeostasis (Chelstowska et al. 2017. PubMed ID: 28758396). This variant has not been reported in a large population database (gnomAD), indicating this variant is rare. This variant is interpreted as likely pathogenic.

Women's Health and Genetics/Laboratory Corporation of America, LabCorp
Classification: Likely pathogenic for Leber congenital amaurosis. Last evaluated: 2023-05-30. Review status: criteria provided, single submitter. Criteria: LabCorp Variant Classification Summary - May 2015. Collection method: clinical testing. Allele origin: germline.
Comment: Variant summary: LRAT c.40_41delinsTT (p.Glu14Leu) results in a non-conservative amino acid change in the encoded protein sequence. Three of four in-silico tools predict a damaging effect of the variant on protein function. The variant was absent in 251394 control chromosomes (gnomAD). c.40_41delinsTT has been reported in the literature in at least one homozygous individual affected with retinal dystrophy (DevBorman_2012, Scholl_2015). These data indicate that the variant maybe associated with disease. A publication reported experimental evidence evaluating an impact on protein function, demonstrating severely reduced protein levels likely due to protein instability with accelerated proteosomal degradation (Chelstowska_2017). The following publications have been ascertained in the context of this evaluation (PMID: 22570351, 26656277, 28758396, 31561851). No clinical diagnostic laboratories have submitted clinical-significance assessments for this variant to ClinVar after 2014. Based on the evidence outlined above, the variant was classified as likely pathogenic.

Blueprint Genetics
Classification: Uncertain significance. Last evaluated: 2022-03-23. Review status: criteria provided, single submitter. Criteria: ACMG Guidelines, 2015. Collection method: clinical testing. Allele origin: germline.

Literature cited by the submitters: PubMed 28758396 (cited by Women's Health and Genetics/Laboratory Corporation of America, LabCorp); PubMed 22570351 (cited by Women's Health and Genetics/Laboratory Corporation of America, LabCorp); PubMed 31561851 (cited by Women's Health and Genetics/Laboratory Corporation of America, LabCorp); PubMed 26656277 (cited by Women's Health and Genetics/Laboratory Corporation of America, LabCorp).